The following is an entry in ClinVar:

NM_006739.4(MCM5):c.539C>G (p.Thr180Ser)

Gene: MCM5 (minichromosome maintenance complex component 5; plus strand). Cytogenetic location: 22q12.3.
Variant type: single nucleotide variant.
Coding change: c.539C>G on transcript NM_006739.4 (MANE Select); coding-DNA position 539, C replaced by G.
Protein change: p.Thr180Ser; replaces threonine 180 with serine.
Molecular consequence: missense variant.
Genome position (GRCh38, 1-based): chr22:35,406,668, C>G. VCF-style: chr22-35406668-C-G. GRCh37 (hg19) VCF-style: chr22-35802661-C-G.
Other names: c.539C>G (NM_006739.3); short protein forms T180S.
Identifiers: ClinVar variation 1674156 (VCV001674156.11), dbSNP rs2307340, ClinGen allele CA10205066.
Genomic context (GRCh38, chr22:35,406,668, plus strand): 5'-CGGTCCGTGCCAAGGCCACCCGCATCTCTATCCAGTGCCGCAGCTGCCGCAACACCCTCA[C>G]CAACATTGCCATGCGCCCTGGCCTCGAGGGCTATGCCCTGCCCAGGAAGTGCAACACGTG-3'
Protein context (NP_006730.2, residues 170-190): IQCRSCRNTL[Thr180Ser]NIAMRPGLEG

ClinVar aggregate classification (germline): Benign. Review status: criteria provided, multiple submitters, no conflicts (2 of 4 stars). 3 submissions from 3 submitters: Benign (2). 1 of the submissions does not count toward it. Last evaluated 2026-02-01.

Conditions:
MCM5-related disorder. Also called: MCM5-related condition.

Allele frequency attached by ClinVar (database versions not stated): 1000 Genomes Project 30x 0.03935; 1000 Genomes Project 0.04153; gnomAD exomes 0.06328; ESP Exome Variant Server 0.06582; ExAC 0.06584; TOPMed 0.05410.
gnomAD v4.1: 125,430 of 1,611,746 alleles (7.8%); highest among the groups gnomAD compares: Non-Finnish European, 8.7%; 5,505 homozygotes.

Submissions (3):

Labcorp Genetics (formerly Invitae), Labcorp
Classification: Benign. Last evaluated: 2026-02-01. Review status: criteria provided, single submitter. Criteria: Invitae Variant Classification Sherloc (09022015). Collection method: clinical testing. Allele origin: germline.

Breakthrough Genomics
Classification: Benign. Review status: criteria provided, single submitter. Criteria: ACMG Guidelines, 2015. Collection method: not provided. Allele origin: germline. Inheritance: Autosomal recessive inheritance. Affected: yes.

PreventionGenetics, part of Exact Sciences
Classification: Benign for MCM5-related condition. Last evaluated: 2019-11-25. Review status: no assertion criteria provided. Collection method: clinical testing. Allele origin: germline. Not counted in ClinVar's aggregate classification.
Comment: This variant is classified as benign based on ACMG/AMP sequence variant interpretation guidelines (Richards et al. 2015 PMID: 25741868, with internal and published modifications).